The following is an entry in ClinVar:

ClinVar aggregate classification (germline): Uncertain significance (1 of 4 stars; one submission).

Conditions:
Pancreatic adenocarcinoma. Identifiers: MedGen C0281361, MONDO:0006047, HP:0006725.

Submission:

Labcorp Genetics (formerly Invitae), Labcorp
Classification: Uncertain significance for Pancreatic adenocarcinoma. Last evaluated: 2021-03-27. Review status: criteria provided, single submitter. Criteria: Invitae Variant Classification Sherloc (09022015). Collection method: clinical testing. Allele origin: germline.
Comment: Algorithms developed to predict the effect of missense changes on protein structure and function do not agree on the potential impact of this missense change (SIFT: "Deleterious"; PolyPhen-2: "Benign"; Align-GVGD: "Class C65"). In summary, this variant is a novel missense change with uncertain impact on protein function. It has been classified as a Variant of Uncertain Significance. This variant is not present in population databases (ExAC no frequency) and has not been reported in the literature in individuals with a PALLD-related disease. This sequence change replaces isoleucine with threonine at codon 301 of the PALLD protein (p.Ile301Thr). The isoleucine residue is highly conserved and there is a moderate physicochemical difference between isoleucine and threonine.

NM_001166108.2(PALLD):c.2414T>C (p.Ile805Thr)

Genes: CBR4 (carbonyl reductase 4; minus strand), PALLD (palladin, cytoskeletal associated protein; plus strand). Cytogenetic location: 4q32.3.
Variant type: single nucleotide variant.
Coding change: c.2414T>C on transcript NM_001166108.2 (MANE Select); coding-DNA position 2414, T replaced by C.
Protein change: p.Ile805Thr; replaces isoleucine 805 with threonine.
Molecular consequence: missense variant.
Genome position (GRCh38, 1-based): chr4:168,898,656, T>C. VCF-style: chr4-168898656-T-C. GRCh37 (hg19) VCF-style: chr4-169819807-T-C.
Other names: c.1217T>C, p.Ile406Thr (NM_001166109.2); c.902T>C, p.Ile301Thr (NM_001166110.2); c.242T>C, p.Ile81Thr (NM_001367567.1, NM_001367569.1); c.293T>C, p.Ile98Thr (NM_001367568.1, NM_001367570.1); c.2363T>C, p.Ile788Thr (NM_016081.4); short protein forms I301T, I788T, I406T, I81T, I98T, I805T.
Identifiers: ClinVar variation 410608 (VCV000410608.8), dbSNP rs150764613, ClinGen allele CA16611427.